The following is an entry in ClinVar:

ClinVar aggregate classification (germline): Uncertain significance (1 of 4 stars; one submission).

Allele frequency attached by ClinVar (database versions not stated): gnomAD 0.00002; TOPMed 0.00002; ExAC 0.00004; ESP Exome Variant Server 0.00008.
gnomAD v4.1: 7 of 1,612,356 alleles (0.00043%); highest among the groups gnomAD compares: African/African-American, 0.0093%; no homozygotes.

Submission:

Labcorp Genetics (formerly Invitae), Labcorp
Classification: Uncertain significance. Last evaluated: 2022-02-17. Review status: criteria provided, single submitter. Criteria: Invitae Variant Classification Sherloc (09022015). Collection method: clinical testing. Allele origin: germline.
Comment: This sequence change replaces valine, which is neutral and non-polar, with phenylalanine, which is neutral and non-polar, at codon 4619 of the PCLO protein (p.Val4619Phe). This variant is present in population databases (rs375000836, gnomAD 0.03%). This variant has not been reported in the literature in individuals affected with PCLO-related conditions. Algorithms developed to predict the effect of missense changes on protein structure and function are either unavailable or do not agree on the potential impact of this missense change (SIFT: "Deleterious"; PolyPhen-2: "Not Available"; Align-GVGD: "Class C0"). Algorithms developed to predict the effect of sequence changes on RNA splicing suggest that this variant is not likely to affect RNA splicing. In summary, the available evidence is currently insufficient to determine the role of this variant in disease. Therefore, it has been classified as a Variant of Uncertain Significance.

NM_033026.6(PCLO):c.13855G>T (p.Val4619Phe)

Gene: PCLO (piccolo presynaptic cytomatrix protein; minus strand). Cytogenetic location: 7q21.11.
Variant type: single nucleotide variant.
Coding change: c.13855G>T on transcript NM_033026.6 (MANE Select); coding-DNA position 13855, G replaced by T.
Protein change: p.Val4619Phe; replaces valine 4619 with phenylalanine.
Molecular consequence: missense variant.
Genome position (GRCh38, 1-based): chr7:82,845,462, C>A on the plus strand (G>T on the coding strand, the complement: PCLO is on the minus strand). VCF-style: chr7-82845462-C-A. GRCh37 (hg19) VCF-style: chr7-82474778-C-A.
Other names: c.13855G>T, p.Val4619Phe (NM_014510.3); short protein forms V4619F.
Identifiers: ClinVar variation 2418148 (VCV002418148.3), dbSNP rs375000836, ClinGen allele CA4318998.